The following is an entry in ClinVar:

ClinVar aggregate classification (germline): Conflicting classifications of pathogenicity. Review status: criteria provided, conflicting classifications (1 of 4 stars). 5 submissions from 5 submitters: Pathogenic (1); Uncertain significance (4). Last evaluated 2025-03-03.

Conditions:
C3 glomerulonephritis. Also called: C3 GLOMERULOPATHY 3; Nephropathy due to CFHR5 Deficiency. Identifiers: Orphanet 329931, MedGen C4055342, MONDO:0013892, OMIM 614809.
CFHR5 deficiency. Identifiers: MedGen C3553720.

Submissions (5):

Women's Health and Genetics/Laboratory Corporation of America, LabCorp
Classification: Uncertain significance. Last evaluated: 2025-03-03. Review status: criteria provided, single submitter. Criteria: LabCorp Variant Classification Summary - May 2015. Collection method: clinical testing. Allele origin: germline.
Comment: Variant summary: CFHR5 c.678delA (p.Glu226AspfsX7) results in a premature termination codon, predicted to cause a truncation of the encoded protein or absence of the protein due to nonsense mediated decay, however current evidence is not sufficient to establish loss of function as a mechanism for disease. The variant allele was found at a frequency of 8e-06 in 251136 control chromosomes. The available data on variant occurrences in the general population are insufficient to allow any conclusion about variant significance. c.678delA has been reported in the literature in at least one individual affected with atypical hemolytic uremic syndrome and one individual with C3 glomerulopathy (e.g., Rydberg_2023). Both individuals also carried other variants in CFHR5 as well as variants in other genes associated with kidney disease. This variant has also been reported in at least one individual with infertility (e.g., Dougherty_2023). These report(s) do not provide unequivocal conclusions about association of the variant with CFHR5 Deficiency. To our knowledge, no experimental evidence demonstrating an impact on protein function has been reported. The following publications have been ascertained in the context of this evaluation (PMID: 36920765, 37744338). ClinVar contains an entry for this variant (Variation ID: 226110). Based on the evidence outlined above, the variant was classified as uncertain significance.

Genomic Medicine Center of Excellence, King Faisal Specialist Hospital and Research Centre
Classification: Uncertain significance for C3 glomerulonephritis. Last evaluated: 2024-03-26. Review status: criteria provided, single submitter. Criteria: ACMG Guidelines, 2015. Collection method: clinical testing. Allele origin: germline.

UAEU Genomics Laboratory, United Arab Emirates University
Classification: Uncertain significance for C3 glomerulonephritis. Last evaluated: 2024-02-09. Review status: criteria provided, single submitter. Criteria: ACMG Guidelines, 2015. Collection method: research. Allele origin: germline. Affected: yes.
Comment: PVS1

Clinical Genetics Laboratory, Skane University Hospital Lund
Classification: Uncertain significance. Last evaluated: 2023-10-20. Review status: criteria provided, single submitter. Criteria: ACMG Guidelines, 2015. Collection method: clinical testing. Allele origin: germline. Affected: yes.

Center of Genomic medicine, Geneva, University Hospital of Geneva
Classification: Pathogenic for C3 glomerulonephritis. Last evaluated: 2016-03-17. Review status: criteria provided, single submitter. Criteria: ACMG Guidelines, 2015. Collection method: clinical testing. Allele origin: germline. Affected: yes. Observed: 2 variant alleles.
Comment: Loss of function mutations in the CHFR5 gene are known to be a cause of autosomic dominant nephropathy.

Literature cited by the submitters: PubMed 37744338 (cited by Women's Health and Genetics/Laboratory Corporation of America, LabCorp); PubMed 36920765 (cited by Women's Health and Genetics/Laboratory Corporation of America, LabCorp).

NM_030787.4(CFHR5):c.678del (p.Glu226fs)

Gene: CFHR5 (complement factor H related 5; plus strand). Cytogenetic location: 1q31.3.
Variant type: Deletion.
Coding change: c.678del on transcript NM_030787.4 (MANE Select); coding-DNA position 678, one base deleted (A; older notation c.678delA).
Protein change: p.Glu226fs; shifts the reading frame from glutamic acid 226.
Molecular consequence: frameshift variant.
Genome position (GRCh38, 1-based): chr1:196,995,787, A deleted; the last of 2 consecutive A bases (chr1:196,995,786-196,995,787); deleting either gives the same sequence. VCF-style (leftmost placement, unchanged base first): chr1-196995785-GA-G. GRCh37 (hg19) VCF-style: chr1-196964915-GA-G.
Other names: c.678delA (NM_030787.4, NM_030787.3); short protein forms E226fs.
Identifiers: ClinVar variation 226110 (VCV000226110.6), dbSNP rs368209619, ClinGen allele CA1307833.
Genomic context (GRCh38, chr1:196,995,785, plus strand): 5'-CGATCATGTGGTCCACCTCCTCAACTCTCCAATGGTGAAGTTAAGGAGATAAGAAAAGAG[GA>G]ATATGGACACAATGAAGTAGTGGAATATGATTGCAATCCTAATTTTATAATAAACGGGCC-3'